The following is an entry in ClinVar:

ClinVar aggregate classification (germline): Uncertain significance (1 of 4 stars; one submission).

Conditions:
Hypertrophic cardiomyopathy. Also called: HYPERTROPHIC MYOCARDIOPATHY. Identifiers: Orphanet 217569, MedGen C0007194, MeSH D002312, MONDO:0005045, HP:0001639.

gnomAD v4.1: 1 of 1,597,574 alleles (0.000063%); highest among the groups gnomAD compares: Non-Finnish European, 0.000085%; no homozygotes.

Submission:

Labcorp Genetics (formerly Invitae), Labcorp
Classification: Uncertain significance for Hypertrophic cardiomyopathy. Last evaluated: 2022-03-25. Review status: criteria provided, single submitter. Criteria: Invitae Variant Classification Sherloc (09022015). Collection method: clinical testing. Allele origin: germline.
Comment: This sequence change replaces threonine, which is neutral and polar, with arginine, which is basic and polar, at codon 31 of the TNNI3 protein (p.Thr31Arg). In summary, the available evidence is currently insufficient to determine the role of this variant in disease. Therefore, it has been classified as a Variant of Uncertain Significance. Algorithms developed to predict the effect of sequence changes on RNA splicing suggest that this variant may disrupt the consensus splice site. Algorithms developed to predict the effect of missense changes on protein structure and function are either unavailable or do not agree on the potential impact of this missense change (SIFT: "Deleterious"; PolyPhen-2: "Possibly Damaging"; Align-GVGD: "Class C0"). This variant has not been reported in the literature in individuals affected with TNNI3-related conditions. This variant is not present in population databases (gnomAD no frequency).

NM_000363.5(TNNI3):c.92C>G (p.Thr31Arg)

Gene: TNNI3 (troponin I3, cardiac type; minus strand). Cytogenetic location: 19q13.42.
Variant type: single nucleotide variant.
Coding change: c.92C>G on transcript NM_000363.5 (MANE Select); coding-DNA position 92, C replaced by G.
Protein change: p.Thr31Arg; replaces threonine 31 with arginine.
Molecular consequence: missense variant.
Genome position (GRCh38, 1-based): chr19:55,157,066, G>C on the plus strand (C>G on the coding strand, the complement: TNNI3 is on the minus strand). VCF-style: chr19-55157066-G-C. GRCh37 (hg19) VCF-style: chr19-55668434-G-C.
Other names: short protein forms T31R.
Identifiers: ClinVar variation 2113660 (VCV002113660.4), dbSNP rs201928445, ClinGen allele CA407442911.